The following is an entry in ClinVar:

NM_194248.3(OTOF):c.1051C>T (p.Gln351Ter)

Gene: OTOF (otoferlin; minus strand). Cytogenetic location: 2p23.3.
Variant type: single nucleotide variant.
Coding change: c.1051C>T on transcript NM_194248.3 (MANE Select); coding-DNA position 1051, C replaced by T.
Protein change: p.Gln351Ter; replaces glutamine 351 with a stop codon.
Molecular consequence: nonsense.
Genome position (GRCh38, 1-based): chr2:26,484,628, G>A on the plus strand (C>T on the coding strand, the complement: OTOF is on the minus strand). VCF-style: chr2-26484628-G-A. GRCh37 (hg19) VCF-style: chr2-26707496-G-A.
Other names: c.1051C>T, p.Gln351Ter (NM_001287489.2); short protein forms Q351*.
Identifiers: ClinVar variation 620323 (VCV000620323.4), dbSNP rs1558492758, ClinGen allele CA346137991.

ClinVar aggregate classification (germline): Pathogenic. Review status: criteria provided, multiple submitters, no conflicts (2 of 4 stars). 2 submissions from 2 submitters: Pathogenic (2). Last evaluated 2023-01-23.

gnomAD v4.1: 5 of 1,613,768 alleles (0.00031%); highest among the groups gnomAD compares: Non-Finnish European, 0.00042%; no homozygotes.

Submissions (2):

Labcorp Genetics (formerly Invitae), Labcorp
Classification: Pathogenic. Last evaluated: 2023-01-23. Review status: criteria provided, single submitter. Criteria: Invitae Variant Classification Sherloc (09022015). Collection method: clinical testing. Allele origin: germline.
Comment: This variant is not present in population databases (gnomAD no frequency). For these reasons, this variant has been classified as Pathogenic. Algorithms developed to predict the effect of sequence changes on RNA splicing suggest that this variant may create or strengthen a splice site. ClinVar contains an entry for this variant (Variation ID: 620323). This premature translational stop signal has been observed in individual(s) with clinical features of OTOF-related conditions (PMID: 35440622). This sequence change creates a premature translational stop signal (p.Gln351*) in the OTOF gene. It is expected to result in an absent or disrupted protein product. Loss-of-function variants in OTOF are known to be pathogenic (PMID: 18381613, 19250381, 22575033).

GeneDx
Classification: Pathogenic. Last evaluated: 2018-09-07. Review status: criteria provided, single submitter. Criteria: GeneDx Variant Classification (06012015). Collection method: clinical testing. Allele origin: germline. Affected: yes.
Comment: The Q351X nonsense variant in the OTOF gene is predicted to cause loss of normal protein function either through protein truncation or nonsense-mediated mRNA decay. The variant is not observed in large population cohorts (Lek et al., 2016). Although the Q351X variant has not been reported previously to our knowledge, we interpret this variant to be pathogenic.

Literature cited by the submitters: PubMed 35440622 (cited by Labcorp Genetics (formerly Invitae), Labcorp); PubMed 18381613 (cited by Labcorp Genetics (formerly Invitae), Labcorp); PubMed 19250381 (cited by Labcorp Genetics (formerly Invitae), Labcorp); PubMed 22575033 (cited by Labcorp Genetics (formerly Invitae), Labcorp).